The following is an entry in ClinVar:

ClinVar aggregate classification (germline): Uncertain significance (1 of 4 stars; one submission).

Allele frequency attached by ClinVar (database versions not stated): gnomAD exomes below 0.00001; TOPMed below 0.00001; ExAC 0.00001; gnomAD 0.00001.

Submission:

Labcorp Genetics (formerly Invitae), Labcorp
Classification: Uncertain significance. Last evaluated: 2022-06-27. Review status: criteria provided, single submitter. Criteria: Invitae Variant Classification Sherloc (09022015). Collection method: clinical testing. Allele origin: germline.
Comment: This sequence change replaces glutamine, which is neutral and polar, with arginine, which is basic and polar, at codon 125 of the KIAA1549 protein (p.Gln125Arg). This variant is present in population databases (rs765709005, gnomAD 0.0009%). This variant has not been reported in the literature in individuals affected with KIAA1549-related conditions. Algorithms developed to predict the effect of missense changes on protein structure and function (SIFT, PolyPhen-2, Align-GVGD) all suggest that this variant is likely to be tolerated. In summary, the available evidence is currently insufficient to determine the role of this variant in disease. Therefore, it has been classified as a Variant of Uncertain Significance.

NM_001164665.2(KIAA1549):c.374A>G (p.Gln125Arg)

Gene: KIAA1549 (KIAA1549; minus strand). Cytogenetic location: 7q34.
Variant type: single nucleotide variant.
Coding change: c.374A>G on transcript NM_001164665.2 (MANE Select); coding-DNA position 374, A replaced by G.
Protein change: p.Gln125Arg; replaces glutamine 125 with arginine.
Molecular consequence: missense variant.
Genome position (GRCh38, 1-based): chr7:138,919,252, T>C on the plus strand (A>G on the coding strand, the complement: KIAA1549 is on the minus strand). VCF-style: chr7-138919252-T-C. GRCh37 (hg19) VCF-style: chr7-138603998-T-C.
Other names: c.374A>G, p.Gln125Arg (NM_020910.3); short protein forms Q125R.
Identifiers: ClinVar variation 1525621 (VCV001525621.5), dbSNP rs765709005, ClinGen allele CA4506960.